The following is an entry in ClinVar:

NM_001710.6(CFB):c.291G>C (p.Glu97Asp)

Gene: CFB (complement factor B; plus strand). Cytogenetic location: 6p21.33.
Variant type: single nucleotide variant.
Coding change: c.291G>C on transcript NM_001710.6 (MANE Select); coding-DNA position 291, G replaced by C.
Protein change: p.Glu97Asp; replaces glutamic acid 97 with aspartic acid.
Molecular consequence: missense variant.
Genome position (GRCh38, 1-based): chr6:31,946,599, G>C. VCF-style: chr6-31946599-G-C. GRCh37 (hg19) VCF-style: chr6-31914376-G-C.
Other names: short protein forms E97D.
Identifiers: ClinVar variation 1715839 (VCV001715839.6), dbSNP rs138236643, ClinGen allele CA363389981.
Genomic context (GRCh38, chr6:31,946,599, plus strand): 5'-ATCTACGGGGTCCTGGAGCACCCTGAAGACTCAAGACCAAAAGACTGTCAGGAAGGCAGA[G>C]TGCAGAGGTTTGAGGGCAATGAGTGTGGGCAGTGGCCTAAGGCAGAAACAGGGCAGGCGG-3'
Protein context (NP_001701.2, residues 87-107): TQDQKTVRKA[Glu97Asp]CRAIHCPRPH

ClinVar aggregate classification (germline): Uncertain significance. Review status: criteria provided, multiple submitters, no conflicts (2 of 4 stars). 2 submissions from 2 submitters: Uncertain significance (2). Last evaluated 2023-12-11.

gnomAD v4.1: 1 of 1,608,868 alleles (0.000062%); highest among the groups gnomAD compares: Non-Finnish European, 0.000085%; no homozygotes.

Submissions (2):

Labcorp Genetics (formerly Invitae), Labcorp
Classification: Uncertain significance. Last evaluated: 2023-12-11. Review status: criteria provided, single submitter. Criteria: Invitae Variant Classification Sherloc (09022015). Collection method: clinical testing. Allele origin: germline.
Comment: This sequence change replaces glutamic acid, which is acidic and polar, with aspartic acid, which is acidic and polar, at codon 97 of the CFB protein (p.Glu97Asp). This variant is not present in population databases (gnomAD no frequency). This variant has not been reported in the literature in individuals affected with CFB-related conditions. ClinVar contains an entry for this variant (Variation ID: 1715839). Advanced modeling of protein sequence and biophysical properties (such as structural, functional, and spatial information, amino acid conservation, physicochemical variation, residue mobility, and thermodynamic stability) has been performed at Invitae for this missense variant, however the output from this modeling did not meet the statistical confidence thresholds required to predict the impact of this variant on CFB protein function. In summary, the available evidence is currently insufficient to determine the role of this variant in disease. Therefore, it has been classified as a Variant of Uncertain Significance.

Blueprint Genetics
Classification: Uncertain significance. Last evaluated: 2020-04-08. Review status: criteria provided, single submitter. Criteria: ACMG Guidelines, 2015. Collection method: clinical testing. Allele origin: germline.